The following is an entry in ClinVar:

NM_153240.5(NPHP3):c.644C>T (p.Ser215Leu)

Genes: NPHP3 (nephrocystin 3; minus strand), NPHP3-ACAD11 (NPHP3-ACAD11 readthrough (NMD candidate); minus strand). Cytogenetic location: 3q22.1.
Variant type: single nucleotide variant.
Coding change: c.644C>T on transcript NM_153240.5 (MANE Select); coding-DNA position 644, C replaced by T.
Protein change: p.Ser215Leu; replaces serine 215 with leucine.
Molecular consequence: missense variant. On other transcripts: non-coding transcript variant (1).
Genome position (GRCh38, 1-based): chr3:132,719,020, G>A on the plus strand (C>T on the coding strand, the complement: NPHP3 is on the minus strand). VCF-style: chr3-132719020-G-A. GRCh37 (hg19) VCF-style: chr3-132437864-G-A.
Other names: short protein forms S215L.
Identifiers: ClinVar variation 1037737 (VCV001037737.8), dbSNP rs1940131512, ClinGen allele CA354586902.

ClinVar aggregate classification (germline): Uncertain significance (1 of 4 stars; one submission).

Conditions:
Nephronophthisis. Also called: Juvenile Nephronophthisis. Identifiers: Orphanet 655, MedGen C0687120, MONDO:0019005, HP:0000090.

Submission:

Labcorp Genetics (formerly Invitae), Labcorp
Classification: Uncertain significance for Nephronophthisis. Last evaluated: 2022-06-27. Review status: criteria provided, single submitter. Criteria: Invitae Variant Classification Sherloc (09022015). Collection method: clinical testing. Allele origin: germline.
Comment: This sequence change replaces serine, which is neutral and polar, with leucine, which is neutral and non-polar, at codon 215 of the NPHP3 protein (p.Ser215Leu). This variant is not present in population databases (gnomAD no frequency). This variant has not been reported in the literature in individuals affected with NPHP3-related conditions. ClinVar contains an entry for this variant (Variation ID: 1037737). In summary, the available evidence is currently insufficient to determine the role of this variant in disease. Therefore, it has been classified as a Variant of Uncertain Significance. Algorithms developed to predict the effect of missense changes on protein structure and function are either unavailable or do not agree on the potential impact of this missense change (SIFT: "Deleterious"; PolyPhen-2: "Probably Damaging"; Align-GVGD: "Class C0").